The following is an entry in ClinVar:

ClinVar aggregate classification (germline): Uncertain significance (1 of 4 stars; one submission).

Submission:

Labcorp Genetics (formerly Invitae), Labcorp
Classification: Uncertain significance. Last evaluated: 2022-06-27. Review status: criteria provided, single submitter. Criteria: Invitae Variant Classification Sherloc (09022015). Collection method: clinical testing. Allele origin: germline.
Comment: In summary, the available evidence is currently insufficient to determine the role of this variant in disease. Therefore, it has been classified as a Variant of Uncertain Significance. Algorithms developed to predict the effect of missense changes on protein structure and function are either unavailable or do not agree on the potential impact of this missense change (SIFT: "Tolerated"; PolyPhen-2: "Probably Damaging"; Align-GVGD: "Class C15"). This variant has not been reported in the literature in individuals affected with LARS2-related conditions. This variant is not present in population databases (gnomAD no frequency). This sequence change replaces alanine, which is neutral and non-polar, with aspartic acid, which is acidic and polar, at codon 387 of the LARS2 protein (p.Ala387Asp).

NM_015340.4(LARS2):c.1160C>A (p.Ala387Asp)

Genes: LARS2 (leucyl-tRNA synthetase 2, mitochondrial; plus strand), LARS2-AS1 (LARS2 antisense RNA 1; minus strand). Cytogenetic location: 3p21.31.
Variant type: single nucleotide variant.
Coding change: c.1160C>A on transcript NM_015340.4 (MANE Select); coding-DNA position 1160, C replaced by A.
Protein change: p.Ala387Asp; replaces alanine 387 with aspartic acid.
Molecular consequence: missense variant.
Genome position (GRCh38, 1-based): chr3:45,488,733, C>A. VCF-style: chr3-45488733-C-A. GRCh37 (hg19) VCF-style: chr3-45530225-C-A.
Other names: c.1160C>A, p.Ala387Asp (NM_001368263.1); short protein forms A387D.
Identifiers: ClinVar variation 2011451 (VCV002011451.4), dbSNP rs2529011968, ClinGen allele CA352425253.